The following is an entry in ClinVar:

ClinVar aggregate classification (germline): Likely benign. Review status: criteria provided, single submitter (1 of 4 stars). 2 submissions from 2 submitters: Likely benign (1). 1 of the submissions does not count toward it. Last evaluated 2022-09-07.

Conditions:
LRP2-related disorder. Also called: LRP2-related condition.

Submissions (2):

Labcorp Genetics (formerly Invitae), Labcorp
Classification: Likely benign. Last evaluated: 2022-09-07. Review status: criteria provided, single submitter. Criteria: Invitae Variant Classification Sherloc (09022015). Collection method: clinical testing. Allele origin: germline.

PreventionGenetics, part of Exact Sciences
Classification: Likely benign for LRP2-related condition. Last evaluated: 2019-06-25. Review status: no assertion criteria provided. Collection method: clinical testing. Allele origin: germline. Not counted in ClinVar's aggregate classification.
Comment: This variant is classified as likely benign based on ACMG/AMP sequence variant interpretation guidelines (Richards et al. 2015 PMID: 25741868, with internal and published modifications).

NM_004525.3(LRP2):c.9894C>T (p.Asp3298=)

Gene: LRP2 (LDL receptor related protein 2; minus strand). Cytogenetic location: 2q31.1.
Variant type: single nucleotide variant.
Coding change: c.9894C>T on transcript NM_004525.3 (MANE Select); coding-DNA position 9894, C replaced by T.
Protein change: p.Asp3298=; no amino-acid change (aspartic acid 3298 retained).
Molecular consequence: synonymous variant.
Genome position (GRCh38, 1-based): chr2:169,182,271, G>A on the plus strand (C>T on the coding strand, the complement: LRP2 is on the minus strand). VCF-style: chr2-169182271-G-A. GRCh37 (hg19) VCF-style: chr2-170038781-G-A.
Other names: c.9894C>T (NM_004525.2).
Identifiers: ClinVar variation 1617208 (VCV001617208.10), dbSNP rs2105296050, ClinGen allele CA429932575.